The following is an entry in ClinVar:

ClinVar aggregate classification (germline): Uncertain significance. Review status: criteria provided, multiple submitters, no conflicts (2 of 4 stars). 2 submissions from 2 submitters: Uncertain significance (2). Last evaluated 2026-01-25.

Conditions:
Inborn genetic diseases. Identifiers: MedGen C0950123, MeSH D030342.

Allele frequency attached by ClinVar (database versions not stated): gnomAD exomes below 0.00001 and 0.00002; TOPMed 0.00001.
gnomAD v4.1: 27 of 1,614,054 alleles (0.0017%); highest among the groups gnomAD compares: Non-Finnish European, 0.0023%; no homozygotes.

Submissions (2):

Ambry Genetics
Classification: Uncertain significance for Inborn genetic diseases. Last evaluated: 2026-01-25. Review status: criteria provided, single submitter. Criteria: Ambry Variant Classification Scheme 2023. Collection method: clinical testing. Allele origin: germline.
Comment: The p.A870D variant (also known as c.2609C>A), located in coding exon 19 of the SLC12A6 gene, results from a C to A substitution at nucleotide position 2609. The alanine at codon 870 is replaced by aspartic acid, an amino acid with dissimilar properties. This amino acid position is conserved. In addition, the in silico prediction for this alteration is inconclusive. Based on the available evidence, the clinical significance of this variant remains unclear.

Labcorp Genetics (formerly Invitae), Labcorp
Classification: Uncertain significance. Last evaluated: 2024-07-23. Review status: criteria provided, single submitter. Criteria: Invitae Variant Classification Sherloc (09022015). Collection method: clinical testing. Allele origin: germline.
Comment: This sequence change replaces alanine, which is neutral and non-polar, with aspartic acid, which is acidic and polar, at codon 870 of the SLC12A6 protein (p.Ala870Asp). The frequency data for this variant in the population databases is considered unreliable, as metrics indicate poor data quality at this position in the gnomAD database. This variant has not been reported in the literature in individuals affected with SLC12A6-related conditions. ClinVar contains an entry for this variant (Variation ID: 1357840). Advanced modeling of protein sequence and biophysical properties (such as structural, functional, and spatial information, amino acid conservation, physicochemical variation, residue mobility, and thermodynamic stability) performed at Invitae indicates that this missense variant is not expected to disrupt SLC12A6 protein function with a negative predictive value of 80%. In summary, the available evidence is currently insufficient to determine the role of this variant in disease. Therefore, it has been classified as a Variant of Uncertain Significance.

NM_001365088.1(SLC12A6):c.2609C>A (p.Ala870Asp)

Genes: SLC12A6 (solute carrier family 12 member 6; minus strand), LOC126862097 (P300/CBP strongly-dependent group 1 enhancer GRCh37_chr15:34531007-34532206; plus strand). Cytogenetic location: 15q14.
Variant type: single nucleotide variant.
Coding change: c.2609C>A on transcript NM_001365088.1 (MANE Select); coding-DNA position 2609, C replaced by A.
Protein change: p.Ala870Asp; replaces alanine 870 with aspartic acid.
Molecular consequence: missense variant.
Genome position (GRCh38, 1-based): chr15:34,238,988, G>T on the plus strand (C>A on the coding strand, the complement: SLC12A6 is on the minus strand). VCF-style: chr15-34238988-G-T. GRCh37 (hg19) VCF-style: chr15-34531189-G-T.
Other names: c.2609C>A (NM_133647.1); c.2432C>A, p.Ala811Asp (NM_001042494.2, NM_001042495.2); c.2582C>A, p.Ala861Asp (NM_001042496.2); c.2564C>A, p.Ala855Asp (NM_001042497.2); c.2456C>A, p.Ala819Asp (NM_005135.2); c.2609C>A, p.Ala870Asp (NM_133647.2); short protein forms A819D, A855D, A861D, A811D, A870D.
Identifiers: ClinVar variation 1357840 (VCV001357840.8), dbSNP rs1164438619, ClinGen allele CA391619132.